The following is an entry in ClinVar:

NM_014727.3(KMT2B):c.7760G>A (p.Arg2587Gln)

Gene: KMT2B (lysine methyltransferase 2B; plus strand). Cytogenetic location: 19q13.12.
Variant type: single nucleotide variant.
Coding change: c.7760G>A on transcript NM_014727.3 (MANE Select); coding-DNA position 7760, G replaced by A.
Protein change: p.Arg2587Gln; replaces arginine 2587 with glutamine.
Molecular consequence: missense variant.
Genome position (GRCh38, 1-based): chr19:35,738,079, G>A. VCF-style: chr19-35738079-G-A. GRCh37 (hg19) VCF-style: chr19-36228980-G-A.
Other names: short protein forms R2587Q.
Identifiers: ClinVar variation 3692845 (VCV003692845.2).
Genomic context (GRCh38, chr19:35,738,079, plus strand): 5'-TGTCCCCCTCCCCCCTGAGTTCCCTGTTCATCCTGCCCTGCAGATCAGCCATCCACGGGC[G>A]AGGCCTGTTCTGTAAGCGCAACATCGACGCGGGGGAGATGGTCATCGAGTACTCTGGCAT-3'
Protein context (NP_055542.1, residues 2577-2597): VGVYRSAIHG[Arg2587Gln]GLFCKRNIDA

ClinVar aggregate classification (germline): Uncertain significance (1 of 4 stars; one submission).

gnomAD v4.1: 1 of 1,613,864 alleles (0.000062%); highest among the groups gnomAD compares: Non-Finnish European, 0.000085%; no homozygotes.

Submission:

Labcorp Genetics (formerly Invitae), Labcorp
Classification: Uncertain significance. Last evaluated: 2024-06-03. Review status: criteria provided, single submitter. Criteria: Invitae Variant Classification Sherloc (09022015). Collection method: clinical testing. Allele origin: germline.
Comment: This sequence change replaces arginine, which is basic and polar, with glutamine, which is neutral and polar, at codon 2587 of the KMT2B protein (p.Arg2587Gln). This variant is present in population databases (rs780852805, gnomAD 0.0009%). This variant has not been reported in the literature in individuals affected with KMT2B-related conditions. Advanced modeling of protein sequence and biophysical properties (such as structural, functional, and spatial information, amino acid conservation, physicochemical variation, residue mobility, and thermodynamic stability) has been performed at Invitae for this missense variant, however the output from this modeling did not meet the statistical confidence thresholds required to predict the impact of this variant on KMT2B protein function. In summary, the available evidence is currently insufficient to determine the role of this variant in disease. Therefore, it has been classified as a Variant of Uncertain Significance.